The following is an entry in ClinVar:

ClinVar aggregate classification (germline): Uncertain significance (1 of 4 stars; one submission).

Submission:

Labcorp Genetics (formerly Invitae), Labcorp
Classification: Uncertain significance. Last evaluated: 2021-12-16. Review status: criteria provided, single submitter. Criteria: Invitae Variant Classification Sherloc (09022015). Collection method: clinical testing. Allele origin: germline.
Comment: This variant results in a copy number gain of the genomic region encompassing exon(s) 1-8 of the RTN4IP1 gene. This region includes the initiator codon of the gene. This copy number gain extends beyond the assayed region for this gene and therefore may encompass additional genes. As the precise location of this event is unknown, it may be in tandem or it may be located elsewhere in the genome. This variant has not been reported in the literature in individuals affected with RTN4IP1-related conditions. In summary, the available evidence is currently insufficient to determine the role of this variant in disease. Therefore, it has been classified as a Variant of Uncertain Significance.

NC_000006.11:g.(?_107031183)_(107113877_?)dup

Genes: QRSL1 (glutaminyl-tRNA amidotransferase subunit QRSL1; plus strand), RTN4IP1 (reticulon 4 interacting protein 1; minus strand). Cytogenetic location: 6q21.
Variant type: Duplication.
Identifiers: ClinVar variation 1450580 (VCV001450580.4).